The following is an entry in ClinVar:

NM_004415.4(DSP):c.2038G>A (p.Glu680Lys)

Gene: DSP (desmoplakin; plus strand). Cytogenetic location: 6p24.3.
Variant type: single nucleotide variant.
Coding change: c.2038G>A on transcript NM_004415.4 (MANE Select); coding-DNA position 2038, G replaced by A.
Protein change: p.Glu680Lys; replaces glutamic acid 680 with lysine.
Molecular consequence: missense variant.
Genome position (GRCh38, 1-based): chr6:7,571,976, G>A. VCF-style: chr6-7571976-G-A. GRCh37 (hg19) VCF-style: chr6-7572209-G-A.
Other names: c.2038G>A, p.Glu680Lys (NM_001008844.3, NM_001319034.2); short protein forms E680K.
Identifiers: ClinVar variation 860117 (VCV000860117.16), dbSNP rs1186943530, ClinGen allele CA362680412.

ClinVar aggregate classification (germline): Uncertain significance. Review status: criteria provided, multiple submitters, no conflicts (2 of 4 stars). 5 submissions from 5 submitters: Uncertain significance (5). Last evaluated 2025-12-19.

Conditions:
Cardiomyopathy (CMYO). Also called: Cardiomyopathies. Identifiers: Orphanet 167848, MedGen C0878544, MONDO:0004994, HP:0001638. Inheritance: Various modes of inheritance.
Arrhythmogenic right ventricular dysplasia 8 (ARVD8). Also called: ARRHYTHMOGENIC RIGHT VENTRICULAR DYSPLASIA, FAMILIAL, 8; Arrhythmogenic Right Ventricular Dysplasia/Cardiomyopathy 8; ARRHYTHMOGENIC RIGHT VENTRICULAR CARDIOMYOPATHY 8. Identifiers: MedGen C1843896, MONDO:0011831, OMIM 607450.
Arrhythmogenic cardiomyopathy with wooly hair and keratoderma. Also called: PALMOPLANTAR KERATODERMA WITH LEFT VENTRICULAR CARDIOMYOPATHY AND WOOLLY HAIR; Dilated cardiomyopathy with woolly hair and keratoderma; Arrhythmogenic cardiomyopathy with woolly hair and keratoderma; Carvajal syndrome. Identifiers: Orphanet 65282, MedGen C1854063, MONDO:0011581, OMIM 605676.
Cardiovascular phenotype. Identifiers: MedGen CN230736.

Allele frequency attached by ClinVar (database versions not stated): gnomAD exomes 0.00001; gnomAD 0.00003; TOPMed 0.00003.
gnomAD v4.1: 16 of 1,614,066 alleles (0.00099%); highest among the groups gnomAD compares: Non-Finnish European, 0.0014%; no homozygotes.

Submissions (5):

Ambry Genetics
Classification: Uncertain significance for Cardiovascular phenotype. Last evaluated: 2025-12-19. Review status: criteria provided, single submitter. Criteria: Ambry Variant Classification Scheme 2023. Collection method: clinical testing. Allele origin: germline.

GeneDx
Classification: Uncertain significance. Last evaluated: 2024-08-27. Review status: criteria provided, single submitter. Criteria: GeneDx Variant Classification Process June 2021. Collection method: clinical testing. Allele origin: germline. Affected: yes.
Comment: Not observed at significant frequency in large population cohorts (gnomAD); In silico analysis supports that this missense variant has a deleterious effect on protein structure/function; Has not been previously published as pathogenic or benign to our knowledge

Labcorp Genetics (formerly Invitae), Labcorp
Classification: Uncertain significance for Arrhythmogenic cardiomyopathy with wooly hair and keratoderma; Arrhythmogenic right ventricular dysplasia 8. Last evaluated: 2024-08-27. Review status: criteria provided, single submitter. Criteria: Invitae Variant Classification Sherloc (09022015). Collection method: clinical testing. Allele origin: germline.
Comment: This sequence change replaces glutamic acid, which is acidic and polar, with lysine, which is basic and polar, at codon 680 of the DSP protein (p.Glu680Lys). This variant is not present in population databases (gnomAD no frequency). This variant has not been reported in the literature in individuals affected with DSP-related conditions. ClinVar contains an entry for this variant (Variation ID: 860117). An algorithm developed to predict the effect of missense changes on protein structure and function (PolyPhen-2) suggests that this variant is likely to be disruptive. In summary, the available evidence is currently insufficient to determine the role of this variant in disease. Therefore, it has been classified as a Variant of Uncertain Significance.

All of Us Research Program, National Institutes of Health
Classification: Uncertain significance for Arrhythmogenic cardiomyopathy with wooly hair and keratoderma. Last evaluated: 2024-04-25. Review status: criteria provided, single submitter. Criteria: ACMG Guidelines, 2015. Collection method: clinical testing. Allele origin: germline. Inheritance: Autosomal dominant inheritance. Observed: 4 variant alleles, 4 heterozygotes.
Comment: This missense variant replaces glutamic acid with lysine at codon 680 of the DSP protein. Computational prediction suggests that this variant may not impact protein structure and function (internally defined REVEL score threshold <= 0.5, PMID: 27666373). To our knowledge, functional studies have not been reported for this variant. This variant has not been reported in individuals affected with DSP-related disorders in the literature. This variant has not been identified in the general population by the Genome Aggregation Database (gnomAD). The available evidence is insufficient to determine the role of this variant in disease conclusively. Therefore, this variant is classified as a Variant of Uncertain Significance.

This study involves interpretation of variants in research participants for the purpose of population health screening. Participant phenotype was not available at the time of variant classification. Additional details can be found in publication PMID: 35346344, PMCID: PMC8962531

Color Diagnostics, LLC DBA Color Health
Classification: Uncertain significance for Cardiomyopathy. Last evaluated: 2024-04-10. Review status: criteria provided, single submitter. Criteria: ACMG Guidelines, 2015. Collection method: clinical testing. Allele origin: germline.
Comment: This missense variant replaces glutamic acid with lysine at codon 680 of the DSP protein. Computational prediction suggests that this variant may not impact protein structure and function. To our knowledge, functional studies have not been reported for this variant. This variant has not been reported in individuals affected with DSP-related disorders in the literature. This variant has not been identified in the general population by the Genome Aggregation Database (gnomAD). The available evidence is insufficient to determine the role of this variant in disease conclusively. Therefore, this variant is classified as a Variant of Uncertain Significance.